The following is an entry in ClinVar:

ClinVar aggregate classification (germline): Conflicting classifications of pathogenicity. Review status: criteria provided, conflicting classifications (1 of 4 stars). 5 submissions from 5 submitters: Uncertain significance (4); Likely benign (1). Last evaluated 2026-10-01.

Conditions:
Hereditary cancer-predisposing syndrome. Also called: Neoplastic Syndromes, Hereditary; Hereditary neoplastic syndrome; Hereditary Cancer Syndrome; Tumor predisposition. Identifiers: Orphanet 140162, MedGen C0027672, MeSH D009386, MONDO:0015356.
Retinoblastoma (RB1). Also called: RETINOBLASTOMA, SOMATIC. Identifiers: Orphanet 790, MedGen C0035335, MeSH D012175, MONDO:0008380, OMIM 180200, HP:0009919. Disease mechanism: loss of function. Inheritance: Both sporadic and heritable forms are tested..

Allele frequency attached by ClinVar (database versions not stated): TOPMed 0.00001.
gnomAD v4.1: 1 of 1,560,250 alleles (0.000064%); no homozygotes.

Submissions (5):

St. Jude Molecular Pathology, St. Jude Children's Research Hospital
Classification: Uncertain significance for Retinoblastoma. Last evaluated: 2026-10-01. Review status: criteria provided, single submitter. Criteria: St. Jude Assertion Criteria 2020. Collection method: clinical testing. Allele origin: germline.
Comment: The RB1 c.2520+3G>A intronic change results in a G to A substitution at the +3 position of intron 24 of the RB1 gene. Algorithms that p redict the impact of sequence changes on splicing indicate that this variant likely does not affect splicing. This variant is absent in gnomAD v2.1.1. To our knowledge, this variant has not been reported in individual s with retinoblastoma. In summary, the evidence currently available is insufficient to determine the clinical significance of this variant. It has therefore been classified as of uncertain significance.

Myriad Genetics, Inc.
Classification: Likely benign for Retinoblastoma. Last evaluated: 2026-06-22. Review status: criteria provided, single submitter. Criteria: Myriad Autosomal Dominant, Autosomal Recessive and X-Linked Classification Criteria (2023). Collection method: clinical testing. Allele origin: unknown.
Comment: This variant is considered likely benign. This variant is intronic and is not expected to impact mRNA splicing.

Ambry Genetics
Classification: Uncertain significance for Hereditary cancer-predisposing syndrome. Last evaluated: 2025-12-22. Review status: criteria provided, single submitter. Criteria: Ambry Variant Classification Scheme 2023. Collection method: clinical testing. Allele origin: germline.
Comment: The c.2520+3G>A intronic variant results from a G to A substitution 3 nucleotides after coding exon 24 in the RB1 gene. This nucleotide position is not well conserved in available vertebrate species. In silico splice site analysis for this alteration is inconclusive. Based on the available evidence, the clinical significance of this variant remains unclear.

Labcorp Genetics (formerly Invitae), Labcorp
Classification: Uncertain significance for Retinoblastoma. Last evaluated: 2025-09-04. Review status: criteria provided, single submitter. Criteria: Invitae Variant Classification Sherloc (09022015). Collection method: clinical testing. Allele origin: germline.
Comment: This sequence change falls in intron 24 of the RB1 gene. It does not directly change the encoded amino acid sequence of the RB1 protein. It affects a nucleotide within the consensus splice site. This variant is not present in population databases (gnomAD no frequency). This variant has not been reported in the literature in individuals affected with RB1-related conditions. ClinVar contains an entry for this variant (Variation ID: 663935). Variants that disrupt the consensus splice site are a relatively common cause of aberrant splicing (PMID: 17576681, 9536098). Algorithms developed to predict the effect of sequence changes on RNA splicing suggest that this variant is not likely to affect RNA splicing. In summary, the available evidence is currently insufficient to determine the role of this variant in disease. Therefore, it has been classified as a Variant of Uncertain Significance.

All of Us Research Program, National Institutes of Health
Classification: Uncertain significance for Retinoblastoma. Last evaluated: 2023-02-24. Review status: criteria provided, single submitter. Criteria: ACMG Guidelines, 2015. Collection method: clinical testing. Allele origin: germline. Inheritance: Autosomal dominant inheritance. Observed: 1 variant allele, 1 heterozygote.
Comment: This variant causes a G to A nucleotide substitution at the +3 position of intron 24 of the RB1 gene. To our knowledge, functional studies have not been reported for this variant. This variant has not been reported in individuals affected with RB1-related disorders in the literature. This variant has not been identified in the general population by the Genome Aggregation Database (gnomAD). The available evidence is insufficient to determine the role of this variant in disease conclusively. Therefore, this variant is classified as a Variant of Uncertain Significance.

This study involves interpretation of variants in research participants for the purpose of population health screening. Participant phenotype was not available at the time of variant classification. Additional details can be found in publication PMID: 35346344, PMCID: PMC8962531

Literature cited by the submitters: PubMed 17576681 (cited by Labcorp Genetics (formerly Invitae), Labcorp); PubMed 9536098 (cited by Labcorp Genetics (formerly Invitae), Labcorp).

NM_000321.3(RB1):c.2520+3G>A

Gene: RB1 (RB transcriptional corepressor 1; plus strand). Cytogenetic location: 13q14.2.
Variant type: single nucleotide variant.
Coding change: c.2520+3G>A on transcript NM_000321.3 (MANE Select); 3 bases into the intron after coding-DNA position 2520, G replaced by A.
Molecular consequence: intron variant.
Genome position (GRCh38, 1-based): chr13:48,473,393, G>A. VCF-style: chr13-48473393-G-A. GRCh37 (hg19) VCF-style: chr13-49047529-G-A.
Identifiers: ClinVar variation 663935 (VCV000663935.15), dbSNP rs868434367, ClinGen allele CA249312433.